The following is an entry in ClinVar:

NM_000051.4(ATM):c.5726T>A (p.Met1909Lys)

Gene: ATM (ATM serine/threonine kinase; plus strand). Cytogenetic location: 11q22.3.
Variant type: single nucleotide variant.
Coding change: c.5726T>A on transcript NM_000051.4 (MANE Select); coding-DNA position 5726, T replaced by A.
Protein change: p.Met1909Lys; replaces methionine 1909 with lysine.
Molecular consequence: missense variant.
Genome position (GRCh38, 1-based): chr11:108,307,948, T>A. VCF-style: chr11-108307948-T-A. GRCh37 (hg19) VCF-style: chr11-108178675-T-A.
Other names: c.5726T>A, p.Met1909Lys (NM_001351834.2); short protein forms M1909K.
Identifiers: ClinVar variation 665951 (VCV000665951.9), dbSNP rs542378165, ClinGen allele CA382547950.

ClinVar aggregate classification (germline): Uncertain significance. Review status: criteria provided, multiple submitters, no conflicts (2 of 4 stars). 2 submissions from 2 submitters: Uncertain significance (2). Last evaluated 2024-02-01.

Conditions:
Ataxia-telangiectasia syndrome (AT). Also called: Ataxia-telangiectasia, complementation group D; AT, COMPLEMENTATION GROUP C; Ataxia telangiectasia (A-T); Cerebello-oculocutaneous telangiectasia; Immunodeficiency with ataxia telangiectasia; ATAXIA-TELANGIECTASIA, COMPLEMENTATION GROUP A. Identifiers: Orphanet 100, MedGen C0004135, MONDO:0008840, OMIM 208900.

Submissions (2):

Neuberg Centre For Genomic Medicine, NCGM
Classification: Uncertain significance for Ataxia-telangiectasia syndrome. Last evaluated: 2024-02-01. Review status: criteria provided, single submitter. Criteria: ACMG Guidelines, 2015. Collection method: clinical testing. Allele origin: germline. Inheritance: Autosomal recessive inheritance. Affected: yes.
Comment: The observed missense variant c.5726T>A(p.Met1909Lys) in ATM gene has not been reported previously as a pathogenic variant nor as a benign variant, to our knowledge. This variant is absent in gnomAD Exomes. This variant has been reported to the ClinVar database as Uncertain Significance (single submitter).The amino acid Met at position 1909 is changed to a Lys changing protein sequence and it might alter its composition and physico-chemical properties. Multiple lines of computational evidence (Polyphen-possibly damaging, SIFT-damaging and MutationTaster-disease causing) predict a damaging effect on protein structure and function for this variant. The reference amino acid p.Met1909Lys in ATM is predicted as conserved by GERP++ and PhyloP across 100 vertebrates. For these reasons, this variant has been classified as Uncertain Significance. In the absence of another reportable variant in this gene, molecular diagnosis is not confirmed.

Labcorp Genetics (formerly Invitae), Labcorp
Classification: Uncertain significance for Ataxia-telangiectasia syndrome. Last evaluated: 2023-07-17. Review status: criteria provided, single submitter. Criteria: Invitae Variant Classification Sherloc (09022015). Collection method: clinical testing. Allele origin: germline.
Comment: In summary, the available evidence is currently insufficient to determine the role of this variant in disease. Therefore, it has been classified as a Variant of Uncertain Significance. An algorithm developed to predict the effect of missense changes on protein structure and function (PolyPhen-2) suggests that this variant is likely to be disruptive. ClinVar contains an entry for this variant (Variation ID: 665951). This variant has not been reported in the literature in individuals affected with ATM-related conditions. This variant is not present in population databases (gnomAD no frequency). This sequence change replaces methionine, which is neutral and non-polar, with lysine, which is basic and polar, at codon 1909 of the ATM protein (p.Met1909Lys).